The following is an entry in ClinVar:

NM_001909.5(CTSD):c.1232G>A (p.Arg411His)

Gene: CTSD (cathepsin D; minus strand). Cytogenetic location: 11p15.5.
Variant type: single nucleotide variant.
Coding change: c.1232G>A on transcript NM_001909.5 (MANE Select); coding-DNA position 1232, G replaced by A.
Protein change: p.Arg411His; replaces arginine 411 with histidine.
Molecular consequence: missense variant.
Genome position (GRCh38, 1-based): chr11:1,753,510, C>T on the plus strand (G>A on the coding strand, the complement: CTSD is on the minus strand). VCF-style: chr11-1753510-C-T. GRCh37 (hg19) VCF-style: chr11-1774740-C-T.
Other names: short protein forms R411H.
Identifiers: ClinVar variation 859061 (VCV000859061.10), dbSNP rs200303993, ClinGen allele CA5813864.
Genomic context (GRCh38, chr11:1,753,510, plus strand): 5'-CCTGCTCTGGGACTCTCCTCTGTTTCTGTGCTGGCGCGCGGACGCCTTGGGAACTAGAGG[C>T]GGGCAGCCTCGGCGAAGCCCACCCTGTTGTTGTCACGGTCAAACACAGTGTAGTAGCGGC-3'
Protein context (NP_001900.1, residues 401-412): NNRVGFAEAA[Arg411His]L

ClinVar aggregate classification (germline): Uncertain significance. Review status: criteria provided, multiple submitters, no conflicts (2 of 4 stars). 4 submissions from 4 submitters: Uncertain significance (4). Last evaluated 2024-10-31.

Conditions:
Neuronal ceroid lipofuscinosis. Also called: Neuronal Ceroid Lipofuscinoses. Identifiers: Orphanet 216, Orphanet 79263, MedGen C0027877, MONDO:0016295. Disease mechanism: loss of function.
Neuronal ceroid lipofuscinosis 10 (CLN10). Also called: NEURONAL CEROID LIPOFUSCINOSIS DUE TO CATHEPSIN D DEFICIENCY; CTSD-Related Neuronal Ceroid-Lipofuscinosis. Identifiers: Orphanet 228337, MedGen C1864669, MONDO:0012414, OMIM 610127.
Inborn genetic diseases. Identifiers: MedGen C0950123, MeSH D030342.

Allele frequency attached by ClinVar (database versions not stated): gnomAD 0.00001; gnomAD exomes 0.00002 and 0.00003; ExAC 0.00003; TOPMed 0.00003; 1000 Genomes Project 30x 0.00016; 1000 Genomes Project 0.00020.

Submissions (4):

GeneDx
Classification: Uncertain significance. Last evaluated: 2024-10-31. Review status: criteria provided, single submitter. Criteria: GeneDx Variant Classification Process June 2021. Collection method: clinical testing. Allele origin: germline. Affected: yes.
Comment: Not observed at significant frequency in large population cohorts (gnomAD); In silico analysis indicates that this missense variant does not alter protein structure/function; Has not been previously published as pathogenic or benign to our knowledge

Labcorp Genetics (formerly Invitae), Labcorp
Classification: Uncertain significance for Neuronal ceroid lipofuscinosis. Last evaluated: 2022-09-27. Review status: criteria provided, single submitter. Criteria: Invitae Variant Classification Sherloc (09022015). Collection method: clinical testing. Allele origin: germline.
Comment: This sequence change replaces arginine, which is basic and polar, with histidine, which is basic and polar, at codon 411 of the CTSD protein (p.Arg411His). This variant is present in population databases (rs200303993, gnomAD 0.01%). This variant has not been reported in the literature in individuals affected with CTSD-related conditions. ClinVar contains an entry for this variant (Variation ID: 859061). Algorithms developed to predict the effect of missense changes on protein structure and function (SIFT, PolyPhen-2, Align-GVGD) all suggest that this variant is likely to be tolerated. In summary, the available evidence is currently insufficient to determine the role of this variant in disease. Therefore, it has been classified as a Variant of Uncertain Significance.

Revvity Omics, Revvity
Classification: Uncertain significance for Neuronal ceroid lipofuscinosis 10. Last evaluated: 2020-03-12. Review status: criteria provided, single submitter. Criteria: ACMG Guidelines, 2015. Collection method: clinical testing. Allele origin: germline.

Ambry Genetics
Classification: Uncertain significance for Inborn genetic diseases. Last evaluated: 2018-11-16. Review status: criteria provided, single submitter. Criteria: Ambry Variant Classification Scheme 2023. Collection method: clinical testing. Allele origin: germline.
Comment: The p.R411H variant (also known as c.1232G>A), located in coding exon 9 of the CTSD gene, results from a G to A substitution at nucleotide position 1232. The arginine at codon 411 is replaced by histidine, an amino acid with highly similar properties. This amino acid position is not well conserved in available vertebrate species. In addition, this alteration is predicted to be tolerated by in silico analysis. Since supporting evidence is limited at this time, the clinical significance of this alteration remains unclear.